The following is an entry in ClinVar:

ClinVar aggregate classification (germline): Pathogenic (1 of 4 stars; one submission).

Conditions:
Autosomal recessive limb-girdle muscular dystrophy type 2C (LGMDR5). Also called: MUSCULAR DYSTROPHY, DUCHENNE-LIKE; MUSCULAR DYSTROPHY, LIMB-GIRDLE, AUTOSOMAL RECESSIVE 5. Identifiers: Orphanet 353, MedGen C0410173, MONDO:0009677, OMIM 253700. Disease mechanism: Affects gamma-sarcoglycan and also disrupts the integrity of the entire sarcoglycan complex..

Allele frequency attached by ClinVar (database versions not stated): gnomAD exomes below 0.00001; ExAC 0.00001.
gnomAD v4.1: 2 of 1,613,986 alleles (0.00012%); highest among the groups gnomAD compares: Non-Finnish European, 0.00017%; no homozygotes.

Submission:

Labcorp Genetics (formerly Invitae), Labcorp
Classification: Pathogenic for Autosomal recessive limb-girdle muscular dystrophy type 2C. Last evaluated: 2021-01-18. Review status: criteria provided, single submitter. Criteria: Invitae Variant Classification Sherloc (09022015). Collection method: clinical testing. Allele origin: germline.
Comment: This sequence change creates a premature translational stop signal (p.Cys35*) in the SGCG gene. It is expected to result in an absent or disrupted protein product. Loss-of-function variants in SGCG are known to be pathogenic (PMID: 18285821). This variant is present in population databases (rs760108586, ExAC 0.001%). This variant has not been reported in the literature in individuals with SGCG-related conditions. For these reasons, this variant has been classified as Pathogenic.

Literature cited by the submitters: PubMed 18285821.

NM_000231.3(SGCG):c.105T>A (p.Cys35Ter)

Gene: SGCG (sarcoglycan gamma; plus strand). Cytogenetic location: 13q12.12.
Variant type: single nucleotide variant.
Coding change: c.105T>A on transcript NM_000231.3 (MANE Select); coding-DNA position 105, T replaced by A.
Protein change: p.Cys35Ter; replaces cysteine 35 with a stop codon.
Molecular consequence: nonsense.
Genome position (GRCh38, 1-based): chr13:23,203,799, T>A. VCF-style: chr13-23203799-T-A. GRCh37 (hg19) VCF-style: chr13-23777938-T-A.
Other names: c.159T>A, p.Cys53Ter (NM_001378244.1); c.105T>A, p.Cys35Ter (NM_001378245.1, NM_001378246.1); short protein forms C53*, C35*.
Identifiers: ClinVar variation 1459762 (VCV001459762.6), dbSNP rs760108586, ClinGen allele CA6909574.